The following is an entry in ClinVar:

NM_004525.3(LRP2):c.13389C>T (p.Ser4463=)

Gene: LRP2 (LDL receptor related protein 2; minus strand). Cytogenetic location: 2q31.1.
Variant type: single nucleotide variant.
Coding change: c.13389C>T on transcript NM_004525.3 (MANE Select); coding-DNA position 13389, C replaced by T.
Protein change: p.Ser4463=; no amino-acid change (serine 4463 retained).
Molecular consequence: synonymous variant.
Genome position (GRCh38, 1-based): chr2:169,138,706, G>A on the plus strand (C>T on the coding strand, the complement: LRP2 is on the minus strand). VCF-style: chr2-169138706-G-A. GRCh37 (hg19) VCF-style: chr2-169995216-G-A.
Identifiers: ClinVar variation 2161957 (VCV002161957.4), dbSNP rs1214341254, ClinGen allele CA429917850.
Genomic context (GRCh38, chr2:169,138,706, plus strand): 5'-TGCCCCTGATCTGAAGGTCACCCCATTCCCATTTTCAGAGGGCTTGACGAGACTGCTTAA[G>A]CTGGAAAGAAGTAACCAAAACAGTGTCTTGTTATTTAAAACAACAACAACAAAAACAACA-3'
Protein context (NP_004516.2, residues 4453-4473): SLLPALPKLP[Ser4463=]LSSLVKPSEN

ClinVar aggregate classification (germline): Uncertain significance (1 of 4 stars; one submission).

Allele frequency attached by ClinVar (database versions not stated): TOPMed below 0.00001; gnomAD 0.00001.
gnomAD v4.1: 1 of 1,613,790 alleles (0.000062%); highest among the groups gnomAD compares: African/African-American, 0.0013%; no homozygotes.

Submission:

Labcorp Genetics (formerly Invitae), Labcorp
Classification: Uncertain significance. Last evaluated: 2023-11-27. Review status: criteria provided, single submitter. Criteria: Invitae Variant Classification Sherloc (09022015). Collection method: clinical testing. Allele origin: germline.
Comment: This sequence change affects codon 4463 of the LRP2 mRNA. It is a 'silent' change, meaning that it does not change the encoded amino acid sequence of the LRP2 protein. It affects a nucleotide within the consensus splice site. This variant is present in population databases (no rsID available, gnomAD 0.01%). This variant has not been reported in the literature in individuals affected with LRP2-related conditions. ClinVar contains an entry for this variant (Variation ID: 2161957). Algorithms developed to predict the effect of sequence changes on RNA splicing suggest that this variant is not likely to affect RNA splicing. In summary, the available evidence is currently insufficient to determine the role of this variant in disease. Therefore, it has been classified as a Variant of Uncertain Significance.